The following is an entry in ClinVar:

ClinVar aggregate classification (germline): Uncertain significance. Review status: criteria provided, multiple submitters, no conflicts (2 of 4 stars). 2 submissions from 2 submitters: Uncertain significance (2). Last evaluated 2024-01-02.

Conditions:
Inborn genetic diseases. Identifiers: MedGen C0950123, MeSH D030342.

Submissions (2):

Ambry Genetics
Classification: Uncertain significance for Inborn genetic diseases. Last evaluated: 2024-01-02. Review status: criteria provided, single submitter. Criteria: Ambry Variant Classification Scheme 2023. Collection method: clinical testing. Allele origin: germline.

Labcorp Genetics (formerly Invitae), Labcorp
Classification: Uncertain significance. Last evaluated: 2021-12-02. Review status: criteria provided, single submitter. Criteria: Invitae Variant Classification Sherloc (09022015). Collection method: clinical testing. Allele origin: germline.
Comment: In summary, the available evidence is currently insufficient to determine the role of this variant in disease. Therefore, it has been classified as a Variant of Uncertain Significance. Algorithms developed to predict the effect of missense changes on protein structure and function are either unavailable or do not agree on the potential impact of this missense change (SIFT: "Deleterious"; PolyPhen-2: "Benign"; Align-GVGD: "Class C0"). This variant has not been reported in the literature in individuals affected with TUBGCP6-related conditions. This variant is not present in population databases (gnomAD no frequency). This sequence change replaces isoleucine, which is neutral and non-polar, with threonine, which is neutral and polar, at codon 595 of the TUBGCP6 protein (p.Ile595Thr).

NM_020461.4(TUBGCP6):c.1784T>C (p.Ile595Thr)

Gene: TUBGCP6 (tubulin gamma complex component 6; minus strand). Cytogenetic location: 22q13.33.
Variant type: single nucleotide variant.
Coding change: c.1784T>C on transcript NM_020461.4 (MANE Select); coding-DNA position 1784, T replaced by C.
Protein change: p.Ile595Thr; replaces isoleucine 595 with threonine.
Molecular consequence: missense variant.
Genome position (GRCh38, 1-based): chr22:50,226,099, A>G on the plus strand (T>C on the coding strand, the complement: TUBGCP6 is on the minus strand). VCF-style: chr22-50226099-A-G. GRCh37 (hg19) VCF-style: chr22-50664528-A-G.
Other names: c.1784T>C (NM_020461.3); short protein forms I595T.
Identifiers: ClinVar variation 1462477 (VCV001462477.7), dbSNP rs2147188101, ClinGen allele CA412105256.